The following is an entry in ClinVar:

NM_001939.3(DRP2):c.1422G>A (p.Met474Ile)

Gene: DRP2 (dystrophin related protein 2; plus strand). Cytogenetic location: Xq22.1.
Variant type: single nucleotide variant.
Coding change: c.1422G>A on transcript NM_001939.3 (MANE Select); coding-DNA position 1422, G replaced by A.
Protein change: p.Met474Ile; replaces methionine 474 with isoleucine.
Molecular consequence: missense variant.
Genome position (GRCh38, 1-based): chrX:101,248,258, G>A. VCF-style: chrX-101248258-G-A. GRCh37 (hg19) VCF-style: chrX-100503247-G-A.
Other names: c.1188G>A, p.Met396Ile (NM_001171184.2); short protein forms M396I, M474I.
Identifiers: ClinVar variation 2545667 (VCV002545667.5), dbSNP rs762746845, ClinGen allele CA10472264.

ClinVar aggregate classification (germline): Uncertain significance. Review status: criteria provided, multiple submitters, no conflicts (2 of 4 stars). 2 submissions from 2 submitters: Uncertain significance (2). Last evaluated 2023-05-09.

Allele frequency attached by ClinVar (database versions not stated): gnomAD exomes below 0.00001; ExAC 0.00001.
gnomAD v4.1: 1 of 1,211,674 alleles (0.000083%); highest among the groups gnomAD compares: African/African-American, 0.0017%; no homozygotes.

Submissions (2):

Ambry Genetics
Classification: Uncertain significance. Last evaluated: 2023-05-09. Review status: criteria provided, single submitter. Criteria: Ambry Variant Classification Scheme 2023. Collection method: clinical testing. Allele origin: germline.

Labcorp Genetics (formerly Invitae), Labcorp
Classification: Uncertain significance. Last evaluated: 2023-03-29. Review status: criteria provided, single submitter. Criteria: Invitae Variant Classification Sherloc (09022015). Collection method: clinical testing. Allele origin: germline.
Comment: In summary, the available evidence is currently insufficient to determine the role of this variant in disease. Therefore, it has been classified as a Variant of Uncertain Significance. Advanced modeling of protein sequence and biophysical properties (such as structural, functional, and spatial information, amino acid conservation, physicochemical variation, residue mobility, and thermodynamic stability) performed at Invitae indicates that this missense variant is not expected to disrupt DRP2 protein function. This variant has not been reported in the literature in individuals affected with DRP2-related conditions. This variant is present in population databases (rs762746845, gnomAD 0.008%). This sequence change replaces methionine, which is neutral and non-polar, with isoleucine, which is neutral and non-polar, at codon 474 of the DRP2 protein (p.Met474Ile).